The following is an entry in ClinVar:

ClinVar aggregate classification (germline): Pathogenic (1 of 4 stars; one submission).

Submission:

Labcorp Genetics (formerly Invitae), Labcorp
Classification: Pathogenic. Last evaluated: 2022-10-29. Review status: criteria provided, single submitter. Criteria: Invitae Variant Classification Sherloc (09022015). Collection method: clinical testing. Allele origin: germline.
Comment: A gross deletion of the genomic region encompassing the full coding sequence of the SIN3A gene has been identified. Loss-of-function variants in SIN3A are known to be pathogenic (PMID: 27399968). The boundaries of this event are unknown as they extend beyond the assayed region for this gene and therefore may encompass additional genes. Isolated whole-gene deletions of SIN3A have not been reported in the literature. However, larger copy number events that include this gene have been reported (PMID: 27399968). For these reasons, this variant has been classified as Pathogenic.

Literature cited by the submitters: PubMed 27399968.

NC_000015.9:g.(?_75664320)_(75722716_?)del

Gene: SIN3A (SIN3 transcription regulator family member A; minus strand). Cytogenetic location: 15q24.2.
Variant type: Deletion.
Identifiers: ClinVar variation 1455359 (VCV001455359.4).